The following is an entry in ClinVar:

NM_000166.6(GJB1):c.450del (p.Met150fs)

Gene: GJB1 (gap junction protein beta 1; plus strand). Cytogenetic location: Xq13.1.
Variant type: Deletion.
Coding change: c.450del on transcript NM_000166.6 (MANE Select); coding-DNA position 450, one base deleted (G; older notation c.450delG).
Protein change: p.Met150fs; shifts the reading frame from methionine 150.
Molecular consequence: frameshift variant.
Genome position (GRCh38, 1-based): chrX:71,224,157, G deleted. VCF-style (leftmost placement, unchanged base first): chrX-71224156-TG-T. GRCh37 (hg19) VCF-style: chrX-70444006-TG-T.
Other names: c.450del, p.Met150fs (NM_001097642.3); c.450delG (NM_000166.5); short protein forms M150fs.
Identifiers: ClinVar variation 2699888 (VCV002699888.4), dbSNP rs2519798541, ClinGen allele CA2697553168.

ClinVar aggregate classification (germline): Pathogenic. Review status: criteria provided, multiple submitters, no conflicts (2 of 4 stars). 2 submissions from 2 submitters: Pathogenic (2). Last evaluated 2023-12-01.

Conditions:
Inborn genetic diseases. Identifiers: MedGen C0950123, MeSH D030342.
Charcot-Marie-Tooth Neuropathy X. Identifiers: MedGen CN118851.

Submissions (2):

Labcorp Genetics (formerly Invitae), Labcorp
Classification: Pathogenic for Charcot-Marie-Tooth Neuropathy X. Last evaluated: 2023-12-01. Review status: criteria provided, single submitter. Criteria: Invitae Variant Classification Sherloc (09022015). Collection method: clinical testing. Allele origin: germline.
Comment: This sequence change creates a premature translational stop signal (p.Met150Ilefs*46) in the GJB1 gene. While this is not anticipated to result in nonsense mediated decay, it is expected to disrupt the last 134 amino acid(s) of the GJB1 protein. This variant is not present in population databases (gnomAD no frequency). This variant has not been reported in the literature in individuals affected with GJB1-related conditions. This variant disrupts a region of the GJB1 protein in which other variant(s) (p.Arg220*) have been determined to be pathogenic (PMID: 7477983, 8162049, 9364054, 21291455; Invitae). This suggests that this is a clinically significant region of the protein, and that variants that disrupt it are likely to be disease-causing. For these reasons, this variant has been classified as Pathogenic.

Ambry Genetics
Classification: Pathogenic for Inborn genetic diseases. Last evaluated: 2023-10-04. Review status: criteria provided, single submitter. Criteria: Ambry Variant Classification Scheme 2023. Collection method: clinical testing. Allele origin: germline.
Comment: The c.450delG (p.M150Ifs*46) alteration, located in exon 2 (coding exon 1) of the GJB1 gene, consists of a deletion of one nucleotide at position 450, causing a translational frameshift with a predicted alternate stop codon after 46 amino acids. Frameshifts/Premature stop codons are typically deleterious in nature; however, because GJB1 is a single-exon gene this alteration is not expected to trigger nonsense-mediated mRNA decay and a(n) altered/truncated protein could still be expressed (Maquat, 2004). This alteration impacts/removes the last 133 amino acids of the protein and the exact functional impact of these amino acids is unknown at this time; however, structural analysis suggests the impacted region is critical for protein function (Ambry internal data). This variant was not reported in population-based cohorts in the Genome Aggregation Database (gnomAD). Based on the available evidence, this alteration is classified as pathogenic.

Literature cited by the submitters: PubMed 7477983 (cited by Labcorp Genetics (formerly Invitae), Labcorp); PubMed 8162049 (cited by Labcorp Genetics (formerly Invitae), Labcorp); PubMed 9364054 (cited by Labcorp Genetics (formerly Invitae), Labcorp); PubMed 21291455 (cited by Labcorp Genetics (formerly Invitae), Labcorp).